The following is an entry in ClinVar:

NM_004006.3(DMD):c.1195A>G (p.Ile399Val)

Gene: DMD (dystrophin; minus strand). Cytogenetic location: Xp21.1.
Variant type: single nucleotide variant.
Coding change: c.1195A>G on transcript NM_004006.3 (MANE Select); coding-DNA position 1195, A replaced by G.
Protein change: p.Ile399Val; replaces isoleucine 399 with valine.
Molecular consequence: missense variant.
Genome position (GRCh38, 1-based): chrX:32,644,268, T>C on the plus strand (A>G on the coding strand, the complement: DMD is on the minus strand). VCF-style: chrX-32644268-T-C. GRCh37 (hg19) VCF-style: chrX-32662385-T-C.
Other names: c.1171A>G, p.Ile391Val (NM_000109.4); c.1183A>G, p.Ile395Val (NM_004009.3); c.826A>G, p.Ile276Val (NM_004010.3); c.1195A>G (NM_004006.2); short protein forms I276V, I391V, I395V, I399V.
Identifiers: ClinVar variation 1695289 (VCV001695289.33), dbSNP rs2146821417, ClinGen allele CA412661313.

ClinVar aggregate classification (germline): Uncertain significance. Review status: criteria provided, multiple submitters, no conflicts (2 of 4 stars). 2 submissions from 2 submitters: Uncertain significance (2). Last evaluated 2023-11-08.

Submissions (2):

Revvity Omics, Revvity
Classification: Uncertain significance. Last evaluated: 2023-11-08. Review status: criteria provided, single submitter. Criteria: ACMG Guidelines, 2015. Collection method: clinical testing. Allele origin: germline.

CeGaT Center for Human Genetics Tuebingen
Classification: Uncertain significance. Last evaluated: 2022-05-01. Review status: criteria provided, single submitter. Criteria: CeGaT Center For Human Genetics Tuebingen Variant Classification Criteria Version 2. Collection method: clinical testing. Allele origin: germline. Affected: yes. Observed: 1 variant allele.
Comment: DMD: PM2, BP4